The following is an entry in ClinVar:

NM_001367561.1(DOCK7):c.230G>A (p.Arg77Gln)

Gene: DOCK7 (dedicator of cytokinesis 7; minus strand). Cytogenetic location: 1p31.3.
Variant type: single nucleotide variant.
Coding change: c.230G>A on transcript NM_001367561.1 (MANE Select); coding-DNA position 230, G replaced by A.
Protein change: p.Arg77Gln; replaces arginine 77 with glutamine.
Molecular consequence: missense variant.
Genome position (GRCh38, 1-based): chr1:62,654,074, C>T on the plus strand (G>A on the coding strand, the complement: DOCK7 is on the minus strand). VCF-style: chr1-62654074-C-T. GRCh37 (hg19) VCF-style: chr1-63119745-C-T.
Other names: c.230G>A, p.Arg77Gln (NM_001271999.2, NM_001272000.2, NM_001272001.2 and 3 more transcripts); short protein forms R77Q.
Identifiers: ClinVar variation 641400 (VCV000641400.10), dbSNP rs376620846, ClinGen allele CA887242.
Genomic context (GRCh38, chr1:62,654,074, plus strand): 5'-CTGCAGTCCCGAGGACTATAAACAACTTCAATATCATCTGGAGGAAATTCAATCAAATCC[C>T]GTAAAGGCCCAGAATCCACAGCCAAAGGATGAGTAATGAGGTAATCTTCCAAATCCACTG-3'
Protein context (NP_001354490.1, residues 67-87): HPLAVDSGPL[Arg77Gln]DLIEFPPDDI

ClinVar aggregate classification (germline): Uncertain significance. Review status: criteria provided, multiple submitters, no conflicts (2 of 4 stars). 3 submissions from 3 submitters: Uncertain significance (3). Last evaluated 2023-10-03.

Conditions:
Developmental and epileptic encephalopathy, 23 (DEE23). Also called: Epileptic encephalopathy, early infantile, 23. Identifiers: Orphanet 411986, MedGen C4014492, MONDO:0014371, OMIM 615859.

Allele frequency attached by ClinVar (database versions not stated): gnomAD 0.00001 and 0.00003; TOPMed 0.00002; gnomAD exomes 0.00004 and 0.00006; ExAC 0.00009; ESP Exome Variant Server 0.00015; 1000 Genomes Project 0.00020; 1000 Genomes Project 30x 0.00031.
gnomAD v4.1: 69 of 1,613,884 alleles (0.0043%); highest among the groups gnomAD compares: South Asian, 0.055%; no homozygotes.

Submissions (3):

Labcorp Genetics (formerly Invitae), Labcorp
Classification: Uncertain significance for Developmental and epileptic encephalopathy, 23. Last evaluated: 2023-10-03. Review status: criteria provided, single submitter. Criteria: Invitae Variant Classification Sherloc (09022015). Collection method: clinical testing. Allele origin: germline.
Comment: This sequence change replaces arginine, which is basic and polar, with glutamine, which is neutral and polar, at codon 77 of the DOCK7 protein (p.Arg77Gln). This variant is present in population databases (rs376620846, gnomAD 0.04%). This variant has not been reported in the literature in individuals affected with DOCK7-related conditions. ClinVar contains an entry for this variant (Variation ID: 641400). An algorithm developed to predict the effect of missense changes on protein structure and function (PolyPhen-2) suggests that this variant is likely to be disruptive. In summary, the available evidence is currently insufficient to determine the role of this variant in disease. Therefore, it has been classified as a Variant of Uncertain Significance.

GeneDx
Classification: Uncertain significance. Last evaluated: 2023-05-14. Review status: criteria provided, single submitter. Criteria: GeneDx Variant Classification Process June 2021. Collection method: clinical testing. Allele origin: germline. Affected: yes.
Comment: In silico analysis supports that this missense variant has a deleterious effect on protein structure/function; Has not been previously published as pathogenic or benign to our knowledge

Genome-Nilou Lab
Classification: Uncertain significance for Developmental and epileptic encephalopathy, 23. Last evaluated: 2023-04-11. Review status: criteria provided, single submitter. Criteria: ACMG Guidelines, 2015. Collection method: clinical testing. Allele origin: germline. Affected: no.